The following is an entry in ClinVar:

NM_015627.3(LDLRAP1):c.674C>G (p.Thr225Arg)

Gene: LDLRAP1 (low density lipoprotein receptor adaptor protein 1; plus strand). Cytogenetic location: 1p36.11.
Variant type: single nucleotide variant.
Coding change: c.674C>G on transcript NM_015627.3 (MANE Select); coding-DNA position 674, C replaced by G.
Protein change: p.Thr225Arg; replaces threonine 225 with arginine.
Molecular consequence: missense variant.
Genome position (GRCh38, 1-based): chr1:25,563,718, C>G. VCF-style: chr1-25563718-C-G. GRCh37 (hg19) VCF-style: chr1-25890209-C-G.
Other names: short protein forms T225R.
Identifiers: ClinVar variation 1755224 (VCV001755224.3), dbSNP rs752255281, ClinGen allele CA339074470.

ClinVar aggregate classification (germline): Uncertain significance (1 of 4 stars; one submission).

Conditions:
Cardiovascular phenotype. Identifiers: MedGen CN230736.

gnomAD v4.1: 5 of 1,613,898 alleles (0.00031%); highest among the groups gnomAD compares: Non-Finnish European, 0.00042%; no homozygotes.

Submission:

Ambry Genetics
Classification: Uncertain significance for Cardiovascular phenotype. Last evaluated: 2024-10-19. Review status: criteria provided, single submitter. Criteria: Ambry Variant Classification Scheme 2023. Collection method: clinical testing. Allele origin: germline.
Comment: The p.T225R variant (also known as c.674C>G), located in coding exon 7 of the LDLRAP1 gene, results from a C to G substitution at nucleotide position 674. The threonine at codon 225 is replaced by arginine, an amino acid with similar properties. This amino acid position is conserved. In addition, this alteration is predicted to be tolerated by in silico analysis. Since supporting evidence is limited at this time, the clinical significance of this alteration remains unclear.